The following is an entry in ClinVar:

NM_000059.4(BRCA2):c.6055A>G (p.Asn2019Asp)

Gene: BRCA2 (BRCA2 DNA repair associated; plus strand). Cytogenetic location: 13q13.1.
Variant type: single nucleotide variant.
Coding change: c.6055A>G on transcript NM_000059.4 (MANE Select); coding-DNA position 6055, A replaced by G.
Protein change: p.Asn2019Asp; replaces asparagine 2019 with aspartic acid.
Molecular consequence: missense variant.
Genome position (GRCh38, 1-based): chr13:32,340,410, A>G. VCF-style: chr13-32340410-A-G. GRCh37 (hg19) VCF-style: chr13-32914547-A-G.
Other names: short protein forms N2019D.
Identifiers: ClinVar variation 1372637 (VCV001372637.11), dbSNP rs2137523721, ClinGen allele CA387787899.

ClinVar aggregate classification (germline): Conflicting classifications of pathogenicity. Review status: criteria provided, conflicting classifications (1 of 4 stars). 3 submissions from 3 submitters: Uncertain significance (2); Likely benign (1). Last evaluated 2023-10-13.

Conditions:
Hereditary cancer-predisposing syndrome. Also called: Neoplastic Syndromes, Hereditary; Tumor predisposition; Hereditary neoplastic syndrome; Hereditary Cancer Syndrome. Identifiers: Orphanet 140162, MedGen C0027672, MeSH D009386, MONDO:0015356.
Hereditary breast ovarian cancer syndrome. Also called: BRCA1- and BRCA2-Associated Hereditary Breast and Ovarian Cancer; Hereditary breast and ovarian cancer; Hereditary breast and ovarian cancer syndrome; Hereditary breast and/or ovarian cancer syndrome; Hereditary breast and ovarian cancer syndrome (HBOC); Breast and ovarian cancer. Identifiers: Orphanet 145, MedGen C0677776, MeSH D061325, MONDO:0003582. Disease mechanism: loss of function.

Submissions (3):

Labcorp Genetics (formerly Invitae), Labcorp
Classification: Uncertain significance for Hereditary breast ovarian cancer syndrome. Last evaluated: 2023-10-13. Review status: criteria provided, single submitter. Criteria: Invitae Variant Classification Sherloc (09022015). Collection method: clinical testing. Allele origin: germline.
Comment: This sequence change replaces asparagine, which is neutral and polar, with aspartic acid, which is acidic and polar, at codon 2019 of the BRCA2 protein (p.Asn2019Asp). This variant is not present in population databases (gnomAD no frequency). This variant has not been reported in the literature in individuals affected with BRCA2-related conditions. ClinVar contains an entry for this variant (Variation ID: 1372637). Advanced modeling of protein sequence and biophysical properties (such as structural, functional, and spatial information, amino acid conservation, physicochemical variation, residue mobility, and thermodynamic stability) performed at Invitae indicates that this missense variant is not expected to disrupt BRCA2 protein function. In summary, the available evidence is currently insufficient to determine the role of this variant in disease. Therefore, it has been classified as a Variant of Uncertain Significance.

University of Washington Department of Laboratory Medicine, University of Washington
Classification: Likely benign for Hereditary cancer-predisposing syndrome. Last evaluated: 2023-03-23. Review status: criteria provided, single submitter. Criteria: Dines et al. (Genet Med. 2020). Collection method: curation. Allele origin: germline.
Comment: Missense variant in a coldspot region where missense variants are very unlikely to be pathogenic (PMID:31911673).

BRCA2 exon 11 coldspot. Reclassification based on statistical prior probability.

Ambry Genetics
Classification: Uncertain significance for Hereditary cancer-predisposing syndrome. Last evaluated: 2020-08-10. Review status: criteria provided, single submitter. Criteria: Ambry Variant Classification Scheme 2023. Collection method: clinical testing. Allele origin: germline.
Comment: The p.N2019D variant (also known as c.6055A>G), located in coding exon 10 of the BRCA2 gene, results from an A to G substitution at nucleotide position 6055. The asparagine at codon 2019 is replaced by aspartic acid, an amino acid with highly similar properties. This amino acid position is not well conserved in available vertebrate species. In addition, this alteration is predicted to be tolerated by in silico analysis. Since supporting evidence is limited at this time, the clinical significance of this alteration remains unclear.